The following is an entry in ClinVar:

NM_014014.5(SNRNP200):c.4756C>T (p.Arg1586Trp)

Gene: SNRNP200 (small nuclear ribonucleoprotein U5 subunit 200; minus strand). Cytogenetic location: 2q11.2.
Variant type: single nucleotide variant.
Coding change: c.4756C>T on transcript NM_014014.5 (MANE Select); coding-DNA position 4756, C replaced by T.
Protein change: p.Arg1586Trp; replaces arginine 1586 with tryptophan.
Molecular consequence: missense variant.
Genome position (GRCh38, 1-based): chr2:96,283,542, G>A on the plus strand (C>T on the coding strand, the complement: SNRNP200 is on the minus strand). VCF-style: chr2-96283542-G-A. GRCh37 (hg19) VCF-style: chr2-96949280-G-A.
Other names: short protein forms R1586W.
Identifiers: ClinVar variation 3700522 (VCV003700522.2).

ClinVar aggregate classification (germline): Uncertain significance (1 of 4 stars; one submission).

gnomAD v4.1: 2 of 1,614,102 alleles (0.00012%); highest among the groups gnomAD compares: Non-Finnish European, 0.00017%; no homozygotes.

Submission:

Labcorp Genetics (formerly Invitae), Labcorp
Classification: Uncertain significance. Last evaluated: 2024-04-15. Review status: criteria provided, single submitter. Criteria: Invitae Variant Classification Sherloc (09022015). Collection method: clinical testing. Allele origin: germline.
Comment: This sequence change replaces arginine, which is basic and polar, with tryptophan, which is neutral and slightly polar, at codon 1586 of the SNRNP200 protein (p.Arg1586Trp). This variant is not present in population databases (gnomAD no frequency). This variant has not been reported in the literature in individuals affected with SNRNP200-related conditions. Advanced modeling of protein sequence and biophysical properties (such as structural, functional, and spatial information, amino acid conservation, physicochemical variation, residue mobility, and thermodynamic stability) performed at Invitae indicates that this missense variant is not expected to disrupt SNRNP200 protein function with a negative predictive value of 80%. In summary, the available evidence is currently insufficient to determine the role of this variant in disease. Therefore, it has been classified as a Variant of Uncertain Significance.